The following is an entry in ClinVar:

ClinVar aggregate classification (germline): Conflicting classifications of pathogenicity. Review status: criteria provided, conflicting classifications (1 of 4 stars). 5 submissions from 5 submitters: Uncertain significance (1); Likely benign (4). Last evaluated 2025-09-27.

Conditions:
Cardiovascular phenotype. Identifiers: MedGen CN230736.
Osteogenesis imperfecta type I (OI1). Also called: OI, TYPE I; OSTEOGENESIS IMPERFECTA TARDA; OSTEOGENESIS IMPERFECTA WITH BLUE SCLERAE; Lobstein disease; Classic Non-deforming Osteogenesis Imperfecta with Blue Sclerae; Osteogenesis imperfecta type 1. Identifiers: Orphanet 216796, Orphanet 666, MedGen C0023931, MONDO:0008146, OMIM 166200. Disease mechanism: loss of function.
Ehlers-Danlos syndrome, classic type, 1 (EDSCL1). Also called: EHLERS-DANLOS SYNDROME, GRAVIS TYPE; EHLERS-DANLOS SYNDROME, SEVERE CLASSIC TYPE; EDS I; Ehlers-Danlos Syndrome, Classic Type, COL5A1-Related; Ehlers-Danlos syndrome, type 1. Identifiers: MedGen C0268335, MONDO:0019567, OMIM 130000.

Allele frequency attached by ClinVar (database versions not stated): ExAC 0.00001; gnomAD exomes 0.00001; TOPMed 0.00002; gnomAD 0.00003.
gnomAD v4.1: 42 of 1,614,004 alleles (0.0026%); highest among the groups gnomAD compares: Middle Eastern, 0.016%; no homozygotes.

Submissions (5):

Labcorp Genetics (formerly Invitae), Labcorp
Classification: Likely benign for Osteogenesis imperfecta type I; Ehlers-Danlos syndrome, classic type, 1. Last evaluated: 2025-09-27. Review status: criteria provided, single submitter. Criteria: Invitae Variant Classification Sherloc (09022015). Collection method: clinical testing. Allele origin: germline.

CeGaT Center for Human Genetics Tuebingen
Classification: Likely benign. Last evaluated: 2025-09-01. Review status: criteria provided, single submitter. Criteria: CeGaT Center For Human Genetics Tuebingen Variant Classification Criteria Version 2. Collection method: clinical testing. Allele origin: germline. Affected: yes. Observed: 1 variant allele.
Comment: COL1A2: BP4, BP7

Women's Health and Genetics/Laboratory Corporation of America, LabCorp
Classification: Likely benign. Last evaluated: 2024-12-06. Review status: criteria provided, single submitter. Criteria: LabCorp Variant Classification Summary - May 2015. Collection method: clinical testing. Allele origin: germline.

Ambry Genetics
Classification: Likely benign for Cardiovascular phenotype. Last evaluated: 2022-05-27. Review status: criteria provided, single submitter. Criteria: Ambry Variant Classification Scheme 2023. Collection method: clinical testing. Allele origin: germline.

Laboratorio de Genetica e Diagnostico Molecular, Hospital Israelita Albert Einstein
Classification: Uncertain significance. Last evaluated: 2020-02-03. Review status: criteria provided, single submitter. Criteria: ACMG Guidelines, 2015. Collection method: clinical testing. Allele origin: germline. Affected: yes.
Comment: ACMG classification criteria: PM2

NM_000089.4(COL1A2):c.2799T>C (p.Asp933=)

Gene: COL1A2 (collagen type I alpha 2 chain; plus strand). Cytogenetic location: 7q21.3.
Variant type: single nucleotide variant.
Coding change: c.2799T>C on transcript NM_000089.4 (MANE Select); coding-DNA position 2799, T replaced by C.
Protein change: p.Asp933=; no amino-acid change (aspartic acid 933 retained).
Molecular consequence: synonymous variant.
Genome position (GRCh38, 1-based): chr7:94,425,627, T>C. VCF-style: chr7-94425627-T-C. GRCh37 (hg19) VCF-style: chr7-94054939-T-C.
Identifiers: ClinVar variation 772743 (VCV000772743.23), dbSNP rs751960243, ClinGen allele CA4347565.